The following is an entry in ClinVar:

NM_001288705.3(CSF1R):c.179T>C (p.Leu60Pro)

Gene: CSF1R (colony stimulating factor 1 receptor; minus strand). Cytogenetic location: 5q32.
Variant type: single nucleotide variant.
Coding change: c.179T>C on transcript NM_001288705.3 (MANE Select); coding-DNA position 179, T replaced by C.
Protein change: p.Leu60Pro; replaces leucine 60 with proline.
Molecular consequence: missense variant. On other transcripts: 5 prime UTR variant (1), non-coding transcript variant (2).
Genome position (GRCh38, 1-based): chr5:150,080,895, A>G on the plus strand (T>C on the coding strand, the complement: CSF1R is on the minus strand). VCF-style: chr5-150080895-A-G. GRCh37 (hg19) VCF-style: chr5-149460458-A-G.
Other names: c.179T>C (NM_005211.3); c.179T>C, p.Leu60Pro (NM_001349736.2, NM_001375320.1, NM_005211.4); c.-266T>C (NM_001375321.1); short protein forms L60P.
Identifiers: ClinVar variation 4696955 (VCV004696955.2).

ClinVar aggregate classification (germline): Uncertain significance. Review status: criteria provided, multiple submitters, no conflicts (2 of 4 stars). 2 submissions from 2 submitters: Uncertain significance (2). Last evaluated 2026-03-10.

Conditions:
Inborn genetic diseases. Identifiers: MedGen C0950123, MeSH D030342.

gnomAD v4.1: 25 of 1,614,062 alleles (0.0015%); highest among the groups gnomAD compares: East Asian, 0.0022%; no homozygotes.

Submissions (2):

Ambry Genetics
Classification: Uncertain significance for Inborn genetic diseases. Last evaluated: 2026-03-10. Review status: criteria provided, single submitter. Criteria: Ambry Variant Classification Scheme 2023. Collection method: clinical testing. Allele origin: germline.

Labcorp Genetics (formerly Invitae), Labcorp
Classification: Uncertain significance. Last evaluated: 2025-04-07. Review status: criteria provided, single submitter. Criteria: Invitae Variant Classification Sherloc (09022015). Collection method: clinical testing. Allele origin: germline.
Comment: This sequence change replaces leucine, which is neutral and non-polar, with proline, which is neutral and non-polar, at codon 60 of the CSF1R protein (p.Leu60Pro). This variant is present in population databases (no rsID available, gnomAD 0.006%). This variant has not been reported in the literature in individuals affected with CSF1R-related conditions. Invitae Evidence Modeling of protein sequence and biophysical properties (such as structural, functional, and spatial information, amino acid conservation, physicochemical variation, residue mobility, and thermodynamic stability) indicates that this missense variant is not expected to disrupt CSF1R protein function with a negative predictive value of 95%. In summary, the available evidence is currently insufficient to determine the role of this variant in disease. Therefore, it has been classified as a Variant of Uncertain Significance.